The following is an entry in ClinVar:

NM_033337.3(CAV3):c.431A>T (p.Lys144Met)

Genes: CAV3 (caveolin 3; plus strand), OXTR (oxytocin receptor; minus strand). Cytogenetic location: 3p25.3.
Variant type: single nucleotide variant.
Coding change: c.431A>T on transcript NM_033337.3 (MANE Select); coding-DNA position 431, A replaced by T.
Protein change: p.Lys144Met; replaces lysine 144 with methionine.
Molecular consequence: missense variant.
Genome position (GRCh38, 1-based): chr3:8,745,842, A>T. VCF-style: chr3-8745842-A-T. GRCh37 (hg19) VCF-style: chr3-8787528-A-T.
Other names: c.431A>T, p.Lys144Met (NM_001234.5); short protein forms K144M.
Identifiers: ClinVar variation 4732860 (VCV004732860.1).

ClinVar aggregate classification (germline): Uncertain significance (1 of 4 stars; one submission).

Conditions:
Long QT syndrome (LQTS). Identifiers: MedGen C0023976, MeSH D008133, MONDO:0002442. Disease mechanism: loss of function. Inheritance: Various modes of inheritance.

gnomAD v4.1: 1 of 1,613,038 alleles (0.000062%); highest among the groups gnomAD compares: African/African-American, 0.0013%; no homozygotes.

Submission:

Labcorp Genetics (formerly Invitae), Labcorp
Classification: Uncertain significance for Long QT syndrome. Last evaluated: 2025-12-09. Review status: criteria provided, single submitter. Criteria: Invitae Variant Classification Sherloc (09022015). Collection method: clinical testing. Allele origin: germline.
Comment: This sequence change replaces lysine, which is basic and polar, with methionine, which is neutral and non-polar, at codon 144 of the CAV3 protein (p.Lys144Met). This variant is not present in population databases (gnomAD no frequency). This variant has not been reported in the literature in individuals affected with CAV3-related conditions. An algorithm developed to predict the effect of missense changes on protein structure and function (PolyPhen-2) suggests that this variant is likely to be disruptive. In summary, the available evidence is currently insufficient to determine the role of this variant in disease. Therefore, it has been classified as a Variant of Uncertain Significance.